The following is an entry in ClinVar:

NM_001182.5(ALDH7A1):c.1004G>A (p.Arg335Gln)

Gene: ALDH7A1 (aldehyde dehydrogenase 7 family member A1; minus strand). Cytogenetic location: 5q23.2.
Variant type: single nucleotide variant.
Coding change: c.1004G>A on transcript NM_001182.5 (MANE Select); coding-DNA position 1004, G replaced by A.
Protein change: p.Arg335Gln; replaces arginine 335 with glutamine.
Molecular consequence: missense variant.
Genome position (GRCh38, 1-based): chr5:126,559,244, C>T on the plus strand (G>A on the coding strand, the complement: ALDH7A1 is on the minus strand). VCF-style: chr5-126559244-C-T. GRCh37 (hg19) VCF-style: chr5-125894936-C-T.
Other names: p.R335Q:CGA>CAA; c.920G>A, p.Arg307Gln (NM_001201377.2); c.1004G>A, p.Arg335Gln (NM_001202404.2); short protein forms R335Q, R307Q.
Identifiers: ClinVar variation 204832 (VCV000204832.58), dbSNP rs754449549, ClinGen allele CA313172.

ClinVar aggregate classification (germline): Pathogenic/Likely pathogenic. Review status: criteria provided, multiple submitters, no conflicts (2 of 4 stars). 11 submissions from 11 submitters: Pathogenic (8); Likely pathogenic (3). Last evaluated 2026-01-30.

Conditions:
ALDH7A1-related disorder. Also called: ALDH7A1-related condition.
Inborn genetic diseases. Identifiers: MedGen C0950123, MeSH D030342.
Pyridoxine-dependent epilepsy (EPEO4). Also called: Pyridoxine-Dependent Seizures; PYRIDOXINE DEPENDENCY WITH SEIZURES; Pyridoxine-Dependent Epilepsy - ALDH7A1; EPILEPSY, EARLY-ONSET, 4, VITAMIN B6-DEPENDENT. Identifiers: Orphanet 3006, MedGen C1849508, MONDO:0009945, OMIM 266100. Disease mechanism: loss of function.

Allele frequency attached by ClinVar (database versions not stated): ExAC 0.00001; gnomAD exomes 0.00001; gnomAD 0.00002; TOPMed 0.00002.
gnomAD v4.1: 28 of 1,613,264 alleles (0.0017%); highest among the groups gnomAD compares: Admixed American, 0.005%; no homozygotes.

Submissions (11):

GeneDx
Classification: Pathogenic. Last evaluated: 2026-01-30. Review status: criteria provided, single submitter. Criteria: GeneDx Variant Classification Process June 2021. Collection method: clinical testing. Allele origin: germline. Affected: yes.
Comment: Published functional studies demonstrate a damaging effect on enzyme activity (PMID: 22784480); In silico analysis supports that this missense variant has a deleterious effect on protein structure/function; Not observed at significant frequency in large population cohorts (gnomAD); This variant is associated with the following publications: (PMID: 19128417, 30043187, 32956737, 27342130, Ambegaonkar2017[abstract], 17068770, 24942048, 31589614, 22784480)

Labcorp Genetics (formerly Invitae), Labcorp
Classification: Pathogenic for Pyridoxine-dependent epilepsy. Last evaluated: 2025-11-15. Review status: criteria provided, single submitter. Criteria: Invitae Variant Classification Sherloc (09022015). Collection method: clinical testing. Allele origin: germline.
Comment: This sequence change replaces arginine, which is basic and polar, with glutamine, which is neutral and polar, at codon 335 of the ALDH7A1 protein (p.Arg335Gln). This variant is present in population databases (rs754449549, gnomAD 0.007%). This missense change has been observed in individual(s) with pyridoxine-dependent epilepsy (PMID: 17068770; internal data). In at least one individual the data is consistent with being in trans (on the opposite chromosome) from a pathogenic variant. This variant is also known as c.920G>A (p.Arg307Gln). ClinVar contains an entry for this variant (Variation ID: 204832). Invitae Evidence Modeling of protein sequence and biophysical properties (such as structural, functional, and spatial information, amino acid conservation, physicochemical variation, residue mobility, and thermodynamic stability) indicates that this missense variant is expected to disrupt ALDH7A1 protein function with a positive predictive value of 95%. Experimental studies have shown that this missense change affects ALDH7A1 function (PMID: 22784480). For these reasons, this variant has been classified as Pathogenic.

Dasa
Classification: Likely pathogenic. Last evaluated: 2025-08-14. Review status: criteria provided, single submitter. Criteria: DASA Assertion Criteria. Collection method: clinical testing. Allele origin: germline.
Comment: NM_001182.5(ALDH7A1):c.1004G>A (p.Arg335Gln) is a missense variant that results in the substitution of arginine with glutamine. This variant has been recurrently observed in individuals with ALDH7A1-related disorders (PMID: 17068770; PMID: 19128417; PMID: 27342130). Functional evidence supports an impact on the gene or gene product (PMID: 17068770; PMID: 19128417; PMID: 27342130; PMID: 32956737; PMID: 22784480). Also, this variant is rare in population databases. Computational evidence supports a deleterious effect. Based on the currently available evidence, this variant is classified as likely pathogenic.

Clinical Genomics Laboratory, Washington University in St. Louis
Classification: Pathogenic for Pyridoxine-dependent epilepsy. Last evaluated: 2025-06-26. Review status: criteria provided, single submitter. Criteria: ACMG Guidelines, 2015. Collection method: clinical testing. Allele origin: germline. Affected: yes.
Comment: The ALDH7A1 c.1004G>A (p.Arg335Gln) variant has been reported in the medical literature in individuals affected with autosomal recessive pyridoxine-dependent epilepsy (Coughlin C et al., PMID: 30043187, Plecko B et al., PMID: 17068770), and has been observed in a compound heterozygous state with a second pathogenic ALDH7A1 variant in an affected individual (Plecko B et al., PMID: 17068770). This variant is only observed on 28/1,613,264 total alleles in the general population (with no homozygous individuals; gnomAD v.4.1.0), indicating it is not a common variant. This variant has been reported in the ClinVar database as pathogenic/likely pathogenic by eight submitters. Computational predictors indicate that the variant is damaging, evidence that correlates with impact on ALDH7A1 function. Functional studies show that the variant results in reduced ALDH7A1 enzymatic activity, indicating that this variant impacts protein function (Coulter-Mackie M et al., PMID: 22784480). Based on available information, and based on ACMG/AMP guidelines for variant interpretation (Richards S et al., PMID: 25741868), this variant is classified as pathogenic.

PreventionGenetics, part of Exact Sciences
Classification: Pathogenic for ALDH7A1-related condition. Last evaluated: 2025-02-05. Review status: criteria provided, single submitter. Criteria: ACMG Guidelines, 2015. Collection method: clinical testing. Allele origin: germline.
Comment: The ALDH7A1 c.1004G>A variant is predicted to result in the amino acid substitution p.Arg335Gln. This variant, also documented in the literature as p.Arg307Gln using legacy nomenclature, has been reported with other deleterious variants in ALDH7A1 in multiple individuals with pyridoxine-dependent epilepsy (Plecko et al. 2007. PubMed ID: 17068770; Table S2, Coughlin et al. 2019. PubMed ID: 30043187; Mathis et al. 2016. PubMed ID: 27342130). An in vitro functional study using E. coli demonstrated expression of this variant results in enzyme activity less than 3% of wild type (Coulter-Mackie et al. 2012. PubMed ID: 22784480). This variant is reported in 0.0062% of alleles in individuals of African descent in gnomAD and is classified as pathogenic/likely pathogenic in the ClinVar database. Taken together, this variant is interpreted as pathogenic.

Mayo Clinic Laboratories, Mayo Clinic
Classification: Pathogenic. Last evaluated: 2024-08-22. Review status: criteria provided, single submitter. Criteria: ACMG Guidelines, 2015. Collection method: clinical testing. Allele origin: germline. Observed: 1 variant allele.
Comment: PP3, PP4, PM2, PM3_strong, PS3

Ambry Genetics
Classification: Pathogenic for Inborn genetic diseases. Last evaluated: 2024-07-15. Review status: criteria provided, single submitter. Criteria: Ambry Variant Classification Scheme 2023. Collection method: clinical testing. Allele origin: germline.
Comment: The c.1004G>A (p.R335Q) alteration is located in exon 11 (coding exon 11) of the ALDH7A1 gene. This alteration results from a G to A substitution at nucleotide position 1004, causing the arginine (R) at amino acid position 335 to be replaced by a glutamine (Q). Based on data from gnomAD, the A allele has an overall frequency of 0.001% (2/251132) total alleles studied. The highest observed frequency was 0.006% (1/16244) of African alleles. This variant has been identified in conjunction with other ALDH7A1 variants in individuals with seizures in the neonatal period and other clinical features consistent with pyridoxine-dependent epilepsy (Plecko, 2007; Oliveira, 2013; Mathis, 2016). Of note, this variant has been reported as c.920G>A (p.Arg307Gln) in the literature. This amino acid position is highly conserved in available vertebrate species. In an assay testing ALDH7A1 function, this variant showed no measurable enzymatic activity compared to wildtype (Coulter-Mackie, 2012; Coulter-Mackie, 2014; Coughlin, 2019). This alteration is predicted to be deleterious by in silico analysis. Based on the available evidence, this alteration is classified as pathogenic.

Fulgent Genetics
Classification: Pathogenic for Pyridoxine-dependent epilepsy. Last evaluated: 2024-04-13. Review status: criteria provided, single submitter. Criteria: ACMG Guidelines, 2015. Collection method: clinical testing. Allele origin: germline.

Women's Health and Genetics/Laboratory Corporation of America, LabCorp
Classification: Pathogenic for Pyridoxine-dependent epilepsy. Last evaluated: 2024-03-18. Review status: criteria provided, single submitter. Criteria: LabCorp Variant Classification Summary - May 2015. Collection method: clinical testing. Allele origin: germline.
Comment: Variant summary: ALDH7A1 c.1004G>A (p.Arg335Gln) results in a conservative amino acid change located in the Aldehyde dehydrogenase domain (IPR015590) of the encoded protein sequence. Four of five in-silico tools predict a damaging effect of the variant on protein function. The variant allele was found at a frequency of 8e-06 in 251132 control chromosomes (gnomAD). c.1004G>A has been reported in the literature in individuals affected with Pyridoxine-Dependent Epilepsy (e.g. Plecko_2007, Coughlin_2019). These data indicate that the variant is likely to be associated with disease. At least one publication reported experimental evidence evaluating an impact on protein function and demonstrated an almost complete lack of activity for the variant protein (Coulter-Mackie_2012). The following publications have been ascertained in the context of this evaluation (PMID: 17068770, 30043187, 22784480). ClinVar contains an entry for this variant (Variation ID: 204832). Based on the evidence outlined above, the variant was classified as pathogenic.

Genome-Nilou Lab
Classification: Likely pathogenic for Pyridoxine-dependent epilepsy. Last evaluated: 2023-04-11. Review status: criteria provided, single submitter. Criteria: ACMG Guidelines, 2015. Collection method: clinical testing. Allele origin: germline. Affected: no.

CeGaT Center for Human Genetics Tuebingen
Classification: Likely pathogenic. Last evaluated: 2022-01-01. Review status: criteria provided, single submitter. Criteria: CeGaT Center For Human Genetics Tuebingen Variant Classification Criteria Version 2. Collection method: clinical testing. Allele origin: germline. Affected: yes. Observed: 1 variant allele.

Literature cited by the submitters: PubMed 17068770 (cited by 5 submitters); PubMed 22784480 (cited by 5 submitters); PubMed 19128417 (cited by Dasa and Mayo Clinic Laboratories, Mayo Clinic); PubMed 27342130 (cited by 3 submitters); PubMed 32956737 (cited by Dasa and Mayo Clinic Laboratories, Mayo Clinic); PubMed 24613284 (cited by Dasa and Ambry Genetics); PubMed 20814824 (cited by Mayo Clinic Laboratories, Mayo Clinic); PubMed 30043187 (cited by 3 submitters); PubMed 24184718 (cited by Ambry Genetics).